The following is an entry in ClinVar:

NM_001844.5(COL2A1):c.2752G>T (p.Gly918Cys)

Gene: COL2A1 (collagen type II alpha 1 chain; minus strand). Cytogenetic location: 12q13.11.
Variant type: single nucleotide variant.
Coding change: c.2752G>T on transcript NM_001844.5 (MANE Select); coding-DNA position 2752, G replaced by T.
Protein change: p.Gly918Cys; replaces glycine 918 with cysteine.
Molecular consequence: missense variant.
Genome position (GRCh38, 1-based): chr12:47,978,740, C>A on the plus strand (G>T on the coding strand, the complement: COL2A1 is on the minus strand). VCF-style: chr12-47978740-C-A. GRCh37 (hg19) VCF-style: chr12-48372523-C-A.
Other names: c.2545G>T, p.Gly849Cys (NM_033150.3); short protein forms G849C, G918C.
Identifiers: ClinVar variation 1066148 (VCV001066148.9), dbSNP rs1565672299, ClinGen allele CA384543420.

ClinVar aggregate classification (germline): Likely pathogenic (1 of 4 stars; one submission).

Submission:

Labcorp Genetics (formerly Invitae), Labcorp
Classification: Likely pathogenic. Last evaluated: 2020-11-13. Review status: criteria provided, single submitter. Criteria: Invitae Variant Classification Sherloc (09022015). Collection method: clinical testing. Allele origin: germline.
Comment: This variant is not present in population databases (ExAC no frequency). This sequence change replaces glycine with cysteine at codon 918 of the COL2A1 protein (p.Gly918Cys). The glycine residue is highly conserved and there is a large physicochemical difference between glycine and cysteine. This variant has been observed in individual(s) with clinical features of COL2A1-related skeletal dysplasia (PMID: 22791362). Advanced modeling of protein sequence and biophysical properties (such as structural, functional, and spatial information, amino acid conservation, physicochemical variation, residue mobility, and thermodynamic stability) performed at Invitae indicates that this missense variant is expected to disrupt COL2A1 protein function. This variant disrupts the triple helix domain of COL2A1. Glycine residues within the Gly-Xaa-Yaa repeats of the triple helix domain are required for the structure and stability of fibrillar collagens (PMID: 7695699, 8218237, 19344236). In COL2A1, variants affecting these glycine residues are significantly enriched in individuals with disease (PMID: 9016532, 17078022) compared to the general population (ExAC). In summary, the currently available evidence indicates that the variant is pathogenic, but additional data are needed to prove that conclusively. Therefore, this variant has been classified as Likely Pathogenic.

Literature cited by the submitters: PubMed 22791362; PubMed 7695699; PubMed 8218237; PubMed 19344236; PubMed 9016532; PubMed 17078022.